The following is an entry in ClinVar:

NM_001105206.3(LAMA4):c.152G>C (p.Ser51Thr)

Genes: LAMA4 (laminin subunit alpha 4; minus strand), LAMA4-AS1 (LAMA4 antisense RNA 1; plus strand). Cytogenetic location: 6q21.
Variant type: single nucleotide variant.
Coding change: c.152G>C on transcript NM_001105206.3 (MANE Select); coding-DNA position 152, G replaced by C.
Protein change: p.Ser51Thr; replaces serine 51 with threonine.
Molecular consequence: missense variant.
Genome position (GRCh38, 1-based): chr6:112,253,999, C>G on the plus strand (G>C on the coding strand, the complement: LAMA4 is on the minus strand). VCF-style: chr6-112253999-C-G. GRCh37 (hg19) VCF-style: chr6-112575201-C-G.
Other names: c.152G>C, p.Ser51Thr (NM_001105207.3, NM_001105208.3, NM_001105209.3 and 1 more transcripts); short protein forms S51T.
Identifiers: ClinVar variation 1922185 (VCV001922185.8), dbSNP rs1281283159, ClinGen allele CA365518730.

ClinVar aggregate classification (germline): Uncertain significance. Review status: criteria provided, multiple submitters, no conflicts (2 of 4 stars). 2 submissions from 2 submitters: Uncertain significance (2). Last evaluated 2025-08-30.

Conditions:
Cardiovascular phenotype. Identifiers: MedGen CN230736.
Dilated cardiomyopathy 1JJ (CMD1JJ). Identifiers: Orphanet 154, MedGen C3808935, MONDO:0014095, OMIM 615235.

Allele frequency attached by ClinVar (database versions not stated): gnomAD 0.00001; TOPMed 0.00003.
gnomAD v4.1: 9 of 1,586,722 alleles (0.00057%); highest among the groups gnomAD compares: African/African-American, 0.0013%; no homozygotes.

Submissions (2):

Ambry Genetics
Classification: Uncertain significance for Cardiovascular phenotype. Last evaluated: 2025-08-30. Review status: criteria provided, single submitter. Criteria: Ambry Variant Classification Scheme 2023. Collection method: clinical testing. Allele origin: germline.

Labcorp Genetics (formerly Invitae), Labcorp
Classification: Uncertain significance for Dilated cardiomyopathy 1JJ. Last evaluated: 2022-01-02. Review status: criteria provided, single submitter. Criteria: Invitae Variant Classification Sherloc (09022015). Collection method: clinical testing. Allele origin: germline.
Comment: Algorithms developed to predict the effect of missense changes on protein structure and function are either unavailable or do not agree on the potential impact of this missense change (SIFT: "Deleterious"; PolyPhen-2: "Benign"; Align-GVGD: "Class C0"). This variant has not been reported in the literature in individuals affected with LAMA4-related conditions. This variant is not present in population databases (gnomAD no frequency). This sequence change replaces serine, which is neutral and polar, with threonine, which is neutral and polar, at codon 51 of the LAMA4 protein (p.Ser51Thr). In summary, the available evidence is currently insufficient to determine the role of this variant in disease. Therefore, it has been classified as a Variant of Uncertain Significance.